The following is an entry in ClinVar:

NM_006389.5(HYOU1):c.910C>A (p.Arg304Ser)

Gene: HYOU1 (hypoxia up-regulated 1; minus strand). Cytogenetic location: 11q23.3.
Variant type: single nucleotide variant.
Coding change: c.910C>A on transcript NM_006389.5 (MANE Select); coding-DNA position 910, C replaced by A.
Protein change: p.Arg304Ser; replaces arginine 304 with serine.
Molecular consequence: missense variant.
Genome position (GRCh38, 1-based): chr11:119,052,714, G>T on the plus strand (C>A on the coding strand, the complement: HYOU1 is on the minus strand). VCF-style: chr11-119052714-G-T. GRCh37 (hg19) VCF-style: chr11-118923426-G-T.
Other names: c.910C>A, p.Arg304Ser (NM_001130991.3, NM_001411041.1); short protein forms R304S.
Identifiers: ClinVar variation 3010599 (VCV003010599.3), dbSNP rs2497176032, ClinGen allele CA382943949.
Genomic context (GRCh38, chr11:119,052,714, plus strand): 5'-CGTTGGCACTGAGGACGGTTTTGAGCCGATTAGCCTCACGCAGCAGCTTGGCCATGGCAC[G>T]CGGGTTCTCCCGCACATCCTTTGCTCTCTGACCCTTGCGCTGCTCATTGAAAAGCCCAGC-3'
Protein context (NP_006380.1, residues 294-314): QRAKDVRENP[Arg304Ser]AMAKLLREAN

ClinVar aggregate classification (germline): Uncertain significance (1 of 4 stars; one submission).

Submission:

Labcorp Genetics (formerly Invitae), Labcorp
Classification: Uncertain significance. Last evaluated: 2023-04-20. Review status: criteria provided, single submitter. Criteria: Invitae Variant Classification Sherloc (09022015). Collection method: clinical testing. Allele origin: germline.
Comment: In summary, the available evidence is currently insufficient to determine the role of this variant in disease. Therefore, it has been classified as a Variant of Uncertain Significance. An algorithm developed to predict the effect of missense changes on protein structure and function (PolyPhen-2) suggests that this variant is likely to be disruptive. This variant has not been reported in the literature in individuals affected with HYOU1-related conditions. This variant is not present in population databases (gnomAD no frequency). This sequence change replaces arginine, which is basic and polar, with serine, which is neutral and polar, at codon 304 of the HYOU1 protein (p.Arg304Ser).